The following is an entry in ClinVar:

NM_000337.6(SGCD):c.761C>A (p.Thr254Lys)

Gene: SGCD (sarcoglycan delta; plus strand). Cytogenetic location: 5q33.3.
Variant type: single nucleotide variant.
Coding change: c.761C>A on transcript NM_000337.6 (MANE Select); coding-DNA position 761, C replaced by A.
Protein change: p.Thr254Lys; replaces threonine 254 with lysine.
Molecular consequence: missense variant.
Genome position (GRCh38, 1-based): chr5:156,759,278, C>A. VCF-style: chr5-156759278-C-A. GRCh37 (hg19) VCF-style: chr5-156186289-C-A.
Other names: c.758C>A, p.Thr253Lys (NM_001128209.2); short protein forms T253K, T254K.
Identifiers: ClinVar variation 1406856 (VCV001406856.10), dbSNP rs372607729, ClinGen allele CA130642254.

ClinVar aggregate classification (germline): Uncertain significance. Review status: criteria provided, multiple submitters, no conflicts (2 of 4 stars). 2 submissions from 2 submitters: Uncertain significance (2). Last evaluated 2021-08-28.

Conditions:
Autosomal recessive limb-girdle muscular dystrophy type 2F (LGMDR6). Also called: MUSCULAR DYSTROPHY, LIMB-GIRDLE, AUTOSOMAL RECESSIVE 6; Muscular dystrophy limb-girdle with delta-sarcoglyan deficiency. Identifiers: Orphanet 219, MedGen C1832525, MONDO:0011028, OMIM 601287. Disease mechanism: Affects gamma-sarcoglycan and also disrupts the integrity of the entire sarcoglycan complex..
Dilated cardiomyopathy 1L (CMD1L). Identifiers: Orphanet 154, MedGen C1847667, MONDO:0011702, OMIM 606685.

Allele frequency attached by ClinVar (database versions not stated): gnomAD 0.00001; ESP Exome Variant Server 0.00008.
gnomAD v4.1: 24 of 1,613,232 alleles (0.0015%); highest among the groups gnomAD compares: Non-Finnish European, 0.0018%; no homozygotes.

Submissions (2):

Labcorp Genetics (formerly Invitae), Labcorp
Classification: Uncertain significance for Autosomal recessive limb-girdle muscular dystrophy type 2F. Last evaluated: 2021-08-28. Review status: criteria provided, single submitter. Criteria: Invitae Variant Classification Sherloc (09022015). Collection method: clinical testing. Allele origin: germline.
Comment: This sequence change replaces threonine with lysine at codon 254 of the SGCD protein (p.Thr254Lys). The threonine residue is weakly conserved and there is a moderate physicochemical difference between threonine and lysine. This variant is not present in population databases (ExAC no frequency). This variant has not been reported in the literature in individuals affected with SGCD-related conditions. Algorithms developed to predict the effect of missense changes on protein structure and function (SIFT, PolyPhen-2, Align-GVGD) all suggest that this variant is likely to be tolerated. In summary, the available evidence is currently insufficient to determine the role of this variant in disease. Therefore, it has been classified as a Variant of Uncertain Significance.

Center for Genomics, Ann and Robert H. Lurie Children's Hospital of Chicago
Classification: Uncertain significance for Dilated cardiomyopathy 1L; Autosomal recessive limb-girdle muscular dystrophy type 2F. Review status: criteria provided, single submitter. Criteria: ACMG Guidelines, 2015. Collection method: clinical testing. Allele origin: germline.
Comment: SGCD NM_000337.5 exon 9 p.Thr254Lys (c.761C>A): This variant has not been reported in the literature and is present in 0.004% (1/24190) of African alleles in the Genome Aggregation Database. Please note, disease causing variants may be present in control databases at low frequencies, reflective of the general population, carrier status and/or variable expressivity. Evolutionary conservation and computational predictive tools suggest that this variant may not impact the protein. In summary, data on this variant is insufficient for disease classification. Therefore, the clinical significance of this variant is uncertain.